The following is an entry in ClinVar:

NM_033159.4(HYAL1):c.734G>C (p.Ser245Thr)

Gene: HYAL1 (hyaluronidase 1; minus strand). Cytogenetic location: 3p21.31.
Variant type: single nucleotide variant.
Coding change: c.734G>C on transcript NM_033159.4 (MANE Select); coding-DNA position 734, G replaced by C.
Protein change: p.Ser245Thr; replaces serine 245 with threonine.
Molecular consequence: missense variant. On other transcripts: non-coding transcript variant (1), intron variant (1).
Genome position (GRCh38, 1-based): chr3:50,302,223, C>G on the plus strand (G>C on the coding strand, the complement: HYAL1 is on the minus strand). VCF-style: chr3-50302223-C-G. GRCh37 (hg19) VCF-style: chr3-50339654-C-G.
Other names: c.734G>C, p.Ser245Thr (NM_007312.3, NM_153281.2, NM_153282.3); c.188G>C, p.Ser63Thr (NM_153283.3); c.-26-18G>C (NM_153285.3); short protein forms S63T, S245T.
Identifiers: ClinVar variation 2081426 (VCV002081426.4), dbSNP rs376502179, ClinGen allele CA352892900.

ClinVar aggregate classification (germline): Uncertain significance (1 of 4 stars; one submission).

Conditions:
Deficiency of hyaluronoglucosaminidase (MPS9). Also called: HYALURONIDASE DEFICIENCY; MPS IX; Mucopolysaccharidosis type 9. Identifiers: Orphanet 67041, MedGen C1291490, MONDO:0011093, OMIM 601492.

gnomAD v4.1: 1 of 1,614,122 alleles (0.000062%); highest among the groups gnomAD compares: Non-Finnish European, 0.000085%; no homozygotes.

Submission:

Labcorp Genetics (formerly Invitae), Labcorp
Classification: Uncertain significance for Deficiency of hyaluronoglucosaminidase. Last evaluated: 2022-01-12. Review status: criteria provided, single submitter. Criteria: Invitae Variant Classification Sherloc (09022015). Collection method: clinical testing. Allele origin: germline.
Comment: This variant has not been reported in the literature in individuals affected with HYAL1-related conditions. Algorithms developed to predict the effect of missense changes on protein structure and function are either unavailable or do not agree on the potential impact of this missense change (SIFT: "Tolerated"; PolyPhen-2: "Possibly Damaging"; Align-GVGD: "Class C0"). In summary, the available evidence is currently insufficient to determine the role of this variant in disease. Therefore, it has been classified as a Variant of Uncertain Significance. This variant is not present in population databases (gnomAD no frequency). This sequence change replaces serine, which is neutral and polar, with threonine, which is neutral and polar, at codon 245 of the HYAL1 protein (p.Ser245Thr).